The following is an entry in ClinVar:

ClinVar aggregate classification (germline): Uncertain significance (1 of 4 stars; one submission).

gnomAD v4.1: 11 of 1,607,478 alleles (0.00068%); highest among the groups gnomAD compares: Admixed American, 0.0067%; no homozygotes.

Submission:

Labcorp Genetics (formerly Invitae), Labcorp
Classification: Uncertain significance. Last evaluated: 2026-01-28. Review status: criteria provided, single submitter. Criteria: Invitae Variant Classification Sherloc (09022015). Collection method: clinical testing. Allele origin: germline.
Comment: This sequence change replaces glutamic acid, which is acidic and polar, with lysine, which is basic and polar, at codon 1254 of the MYH7B protein (p.Glu1254Lys). This variant is present in population databases (no rsID available, gnomAD 0.009%). This variant has not been reported in the literature in individuals affected with MYH7B-related conditions. Invitae Evidence Modeling of protein sequence and biophysical properties (such as structural, functional, and spatial information, amino acid conservation, physicochemical variation, residue mobility, and thermodynamic stability) indicates that this missense variant is expected to disrupt MYH7B protein function with a positive predictive value of 80%. In summary, the available evidence is currently insufficient to determine the role of this variant in disease. Therefore, it has been classified as a Variant of Uncertain Significance.

NM_020884.7(MYH7B):c.3634G>A (p.Glu1212Lys)

Gene: MYH7B (myosin heavy chain 7B; plus strand). Cytogenetic location: 20q11.22.
Variant type: single nucleotide variant.
Coding change: c.3634G>A on transcript NM_020884.7 (MANE Select); coding-DNA position 3634, G replaced by A.
Protein change: p.Glu1212Lys; replaces glutamic acid 1212 with lysine.
Molecular consequence: missense variant.
Genome position (GRCh38, 1-based): chr20:34,997,527, G>A. VCF-style: chr20-34997527-G-A. GRCh37 (hg19) VCF-style: chr20-33585330-G-A.
Other names: short protein forms E1212K.
Identifiers: ClinVar variation 4695076 (VCV004695076.1).